The following is an entry in ClinVar:

ClinVar aggregate classification (germline): Likely benign. Review status: criteria provided, multiple submitters, no conflicts (2 of 4 stars). 2 submissions from 2 submitters: Likely benign (2). Last evaluated 2024-02-02.

Conditions:
Christianson syndrome (MRXSCH). Also called: INTELLECTUAL DEVELOPMENTAL DISORDER, X-LINKED, SYNDROMIC, CHRISTIANSON TYPE; X-linked mental retardation, syndromic, Christianson type; SLC9A6-Related Syndromic Mental Retardation. Identifiers: Orphanet 85278, MedGen C2678194, MONDO:0010278, OMIM 300243.

Submissions (2):

Labcorp Genetics (formerly Invitae), Labcorp
Classification: Likely benign for Christianson syndrome. Last evaluated: 2024-02-02. Review status: criteria provided, single submitter. Criteria: Invitae Variant Classification Sherloc (09022015). Collection method: clinical testing. Allele origin: germline.

CeGaT Center for Human Genetics Tuebingen
Classification: Likely benign. Last evaluated: 2022-05-01. Review status: criteria provided, single submitter. Criteria: CeGaT Center For Human Genetics Tuebingen Variant Classification Criteria Version 2. Collection method: clinical testing. Allele origin: germline. Affected: yes. Observed: 1 variant allele.
Comment: SLC9A6: BP4, BP7

NM_001379110.1(SLC9A6):c.1389T>C (p.Leu463=)

Gene: SLC9A6 (solute carrier family 9 member A6; plus strand). Cytogenetic location: Xq26.3.
Variant type: single nucleotide variant.
Coding change: c.1389T>C on transcript NM_001379110.1 (MANE Select); coding-DNA position 1389, T replaced by C.
Protein change: p.Leu463=; no amino-acid change (leucine 463 retained).
Molecular consequence: synonymous variant.
Genome position (GRCh38, 1-based): chrX:136,024,412, T>C. VCF-style: chrX-136024412-T-C. GRCh37 (hg19) VCF-style: chrX-135106571-T-C.
Other names: c.1545T>C, p.Leu515= (NM_001042537.2); c.1389T>C, p.Leu463= (NM_001177651.2, NM_001400909.1, NM_001400910.1 and 2 more transcripts); c.1293T>C, p.Leu431= (NM_001330652.2, NM_001400913.1); c.1449T>C, p.Leu483= (NM_006359.3).
Identifiers: ClinVar variation 2661496 (VCV002661496.26), dbSNP rs1556620345, ClinGen allele CA518756823.